The following is an entry in ClinVar:

NM_000742.4(CHRNA2):c.294+2T>C

Gene: CHRNA2 (cholinergic receptor nicotinic alpha 2 subunit; minus strand). Cytogenetic location: 8p21.2.
Variant type: single nucleotide variant.
Coding change: c.294+2T>C on transcript NM_000742.4 (MANE Select); the canonical splice donor site of the intron after coding-DNA position 294, T replaced by C.
Molecular consequence: splice donor variant. On other transcripts: intron variant (3).
Genome position (GRCh38, 1-based): chr8:27,469,759, A>G on the plus strand (T>C on the coding strand, the complement: CHRNA2 is on the minus strand). VCF-style: chr8-27469759-A-G. GRCh37 (hg19) VCF-style: chr8-27327276-A-G.
Other names: c.-179+47T>C (NM_001347705.2); c.249+47T>C (NM_001282455.2); c.-168+2T>C (NM_001347708.2); c.-179+2T>C (NM_001347706.2); c.-165+47T>C (NM_001347707.2).
Identifiers: ClinVar variation 1955800 (VCV001955800.5), dbSNP rs772244275, ClinGen allele CA4689738.
Genomic context (GRCh38, chr8:27,469,759, plus strand): 5'-GGGAAAGCGGTGGGTGGTCTGGGATCTCCTTCCTCGGGCCAGCGGTGGGAAGACAGGCGC[A>G]CCACATCGATGAGCTGAGCGATGGACAGTCCAAAGCGCACAATCACCACGTCTGAAGTGT-3'

ClinVar aggregate classification (germline): Uncertain significance (1 of 4 stars; one submission).

Conditions:
Familial sleep-related hypermotor epilepsy. Also called: Autosomal Dominant Sleep-Related Hypermotor (Hyperkinetic) Epilepsy. Identifiers: Orphanet 98784, MedGen C3696898, MONDO:0000030.

Allele frequency attached by ClinVar (database versions not stated): ExAC 0.00001; gnomAD exomes below 0.00001; TOPMed 0.00001; gnomAD 0.00001.
gnomAD v4.1: 6 of 1,614,018 alleles (0.00037%); highest among the groups gnomAD compares: East Asian, 0.0022%; no homozygotes.

Submission:

Labcorp Genetics (formerly Invitae), Labcorp
Classification: Uncertain significance. Last evaluated: 2025-10-01. Review status: criteria provided, single submitter. Criteria: Invitae Variant Classification Sherloc (09022015). Collection method: clinical testing. Allele origin: germline.
Comment: This sequence change affects a donor splice site in intron 3 of the CHRNA2 gene. It is expected to disrupt RNA splicing. Variants that disrupt the donor or acceptor splice site typically lead to a loss of protein function (PMID: 16199547), however the current clinical and genetic evidence is not sufficient to establish whether loss-of-function variants in CHRNA2 cause disease. This variant is present in population databases (rs772244275, gnomAD 0.006%). This variant has not been reported in the literature in individuals affected with CHRNA2-related conditions. Disruption of this splice site has been observed in at least one individual who was not affected with CHRNA2-related conditions (internal data). ClinVar contains an entry for this variant (Variation ID: 1955800). Algorithms developed to predict the effect of sequence changes on RNA splicing suggest that this variant may disrupt the consensus splice site. In summary, the available evidence is currently insufficient to determine the role of this variant in disease. Therefore, it has been classified as a Variant of Uncertain Significance.

Literature cited by the submitters: PubMed 16199547.